The following is an entry in ClinVar:

ClinVar aggregate classification (germline): Uncertain significance. Review status: criteria provided, multiple submitters, no conflicts (2 of 4 stars). 2 submissions from 2 submitters: Uncertain significance (2). Last evaluated 2020-03-25.

Conditions:
Cardiovascular phenotype. Identifiers: MedGen CN230736.
Long QT syndrome 1 (LQT1). Identifiers: Orphanet 101016, Orphanet 768, MedGen C4551647, MONDO:0100316, OMIM 192500, MONDO:0008646.

Allele frequency attached by ClinVar (database versions not stated): gnomAD exomes below 0.00001; TOPMed 0.00001.
gnomAD v4.1: 1 of 1,614,062 alleles (0.000062%); highest among the groups gnomAD compares: Non-Finnish European, 0.000085%; no homozygotes.

Submissions (2):

Ambry Genetics
Classification: Uncertain significance for Cardiovascular phenotype. Last evaluated: 2020-03-25. Review status: criteria provided, single submitter. Criteria: Ambry Variant Classification Scheme 2023. Collection method: clinical testing. Allele origin: germline.
Comment: The p.R3784W variant (also known as c.11350C>T), located in coding exon 47 of the AKAP9 gene, results from a C to T substitution at nucleotide position 11350. The arginine at codon 3784 is replaced by tryptophan, an amino acid with dissimilar properties. This amino acid position is highly conserved in available vertebrate species. In addition, the in silico prediction for this alteration is inconclusive. Since supporting evidence is limited at this time, the clinical significance of this alteration remains unclear.

Molecular Diagnostic Laboratory for Inherited Cardiovascular Disease, Montreal Heart Institute
Classification: Uncertain significance for Long QT syndrome 1. Last evaluated: 2019-04-09. Review status: criteria provided, single submitter. Criteria: ACMG Guidelines, 2015. Collection method: clinical testing. Allele origin: germline. Affected: yes.

NM_005751.5(AKAP9):c.11350C>T (p.Arg3784Trp)

Gene: AKAP9 (A-kinase anchoring protein 9; plus strand). Cytogenetic location: 7q21.2.
Variant type: single nucleotide variant.
Coding change: c.11350C>T on transcript NM_005751.5 (MANE Select); coding-DNA position 11350, C replaced by T.
Protein change: p.Arg3784Trp; replaces arginine 3784 with tryptophan.
Molecular consequence: missense variant.
Genome position (GRCh38, 1-based): chr7:92,105,697, C>T. VCF-style: chr7-92105697-C-T. GRCh37 (hg19) VCF-style: chr7-91735011-C-T.
Other names: c.5995C>T, p.Arg1999Trp (NM_001379277.1); c.11326C>T, p.Arg3776Trp (NM_147185.3); short protein forms R1999W, R3776W, R3784W.
Identifiers: ClinVar variation 978289 (VCV000978289.4), dbSNP rs1818400785, ClinGen allele CA368163500.